The following is an entry in ClinVar:

NM_000048.4(ASL):c.1293G>A (p.Gly431=)

Gene: ASL (argininosuccinate lyase; plus strand). Cytogenetic location: 7q11.21.
Variant type: single nucleotide variant.
Coding change: c.1293G>A on transcript NM_000048.4 (MANE Select); coding-DNA position 1293, G replaced by A.
Protein change: p.Gly431=; no amino-acid change (glycine 431 retained).
Molecular consequence: synonymous variant.
Genome position (GRCh38, 1-based): chr7:66,092,810, G>A. VCF-style: chr7-66092810-G-A. GRCh37 (hg19) VCF-style: chr7-65557797-G-A.
Other names: c.1293G>A, p.Gly431= (NM_001024943.2); c.1233G>A, p.Gly411= (NM_001024944.2); c.1215G>A, p.Gly405= (NM_001024946.2).
Identifiers: ClinVar variation 507133 (VCV000507133.9), dbSNP rs977248418, ClinGen allele CA159942780.

ClinVar aggregate classification (germline): Likely benign. Review status: criteria provided, multiple submitters, no conflicts (2 of 4 stars). 2 submissions from 2 submitters: Likely benign (2). Last evaluated 2026-01-20.

Conditions:
Argininosuccinate lyase deficiency. Also called: ARGININOSUCCINIC ACID LYASE DEFICIENCY; ASL DEFICIENCY; Argininosuccinic aciduria. Identifiers: Orphanet 23, MedGen C0268547, MONDO:0008815, OMIM 207900, HP:0025630.

Allele frequency attached by ClinVar (database versions not stated): gnomAD exomes below 0.00001; gnomAD 0.00005 and 0.00006; TOPMed 0.00011.
gnomAD v4.1: 13 of 1,613,768 alleles (0.00081%); highest among the groups gnomAD compares: Admixed American, 0.017%; no homozygotes.

Submissions (2):

Labcorp Genetics (formerly Invitae), Labcorp
Classification: Likely benign for Argininosuccinate lyase deficiency. Last evaluated: 2026-01-20. Review status: criteria provided, single submitter. Criteria: Invitae Variant Classification Sherloc (09022015). Collection method: clinical testing. Allele origin: germline.

GeneDx
Classification: Likely benign. Last evaluated: 2017-02-01. Review status: criteria provided, single submitter. Criteria: GeneDx Variant Classification (06012015). Collection method: clinical testing. Allele origin: germline. Affected: yes.
Comment: This variant is considered likely benign or benign based on one or more of the following criteria: it is a conservative change, it occurs at a poorly conserved position in the protein, it is predicted to be benign by multiple in silico algorithms, and/or has population frequency not consistent with disease.